The following is an entry in ClinVar:

NM_000135.4(FANCA):c.20C>T (p.Pro7Leu)

Genes: FANCA (FA complementation group A; minus strand), LOC112486223 (Sharpr-MPRA regulatory region 3988; plus strand). Cytogenetic location: 16q24.3.
Variant type: single nucleotide variant.
Coding change: c.20C>T on transcript NM_000135.4 (MANE Select); coding-DNA position 20, C replaced by T.
Protein change: p.Pro7Leu; replaces proline 7 with leucine.
Molecular consequence: missense variant.
Genome position (GRCh38, 1-based): chr16:89,816,596, G>A on the plus strand (C>T on the coding strand, the complement: FANCA is on the minus strand). VCF-style: chr16-89816596-G-A. GRCh37 (hg19) VCF-style: chr16-89883004-G-A.
Other names: c.20C>T, p.Pro7Leu (NM_001018112.3, NM_001286167.3, NM_001351830.2); short protein forms P7L.
Identifiers: ClinVar variation 4022269 (VCV004022269.1).
Genomic context (GRCh38, chr16:89,816,596, plus strand): 5'-CCCAGCAGCTCGGCCCAGGCCCTCCGGCGGCCCCCTGGGTCCTGGCCCGAGGCGGAGTTC[G>A]GGACCCACGAGTCGGACATGGCCTTGGCGCCTACAGCCCCGGCGGCGGCTCCCTGCGCCC-3'
Protein context (NP_000126.2, residues 1-17): MSDSWV[Pro7Leu]NSASGQDPGG

ClinVar aggregate classification (germline): Uncertain significance (1 of 4 stars; one submission).

Conditions:
Inborn genetic diseases. Identifiers: MedGen C0950123, MeSH D030342.

gnomAD v4.1: 3 of 1,526,802 alleles (0.0002%); highest among the groups gnomAD compares: Admixed American, 0.002%; no homozygotes.

Submission:

Ambry Genetics
Classification: Uncertain significance for Inborn genetic diseases. Last evaluated: 2025-05-15. Review status: criteria provided, single submitter. Criteria: Ambry Variant Classification Scheme 2023. Collection method: clinical testing. Allele origin: germline.
Comment: The p.P7L variant (also known as c.20C>T), located in coding exon 1 of the FANCA gene, results from a C to T substitution at nucleotide position 20. The proline at codon 7 is replaced by leucine, an amino acid with similar properties. This amino acid position is conserved. In addition, this alteration is predicted to be tolerated by in silico analysis. Based on the available evidence, the clinical significance of this variant remains unclear.